The following is an entry in ClinVar:

ClinVar aggregate classification (germline): Uncertain significance (1 of 4 stars; one submission).

Submission:

Labcorp Genetics (formerly Invitae), Labcorp
Classification: Uncertain significance. Last evaluated: 2023-03-09. Review status: criteria provided, single submitter. Criteria: Invitae Variant Classification Sherloc (09022015). Collection method: clinical testing. Allele origin: germline.
Comment: In summary, the available evidence is currently insufficient to determine the role of this variant in disease. Therefore, it has been classified as a Variant of Uncertain Significance. Variants that disrupt the consensus splice site are a relatively common cause of aberrant splicing (PMID: 17576681, 9536098). Algorithms developed to predict the effect of sequence changes on RNA splicing suggest that this variant is not likely to affect RNA splicing. This variant has not been reported in the literature in individuals affected with CLTC-related conditions. This variant is not present in population databases (gnomAD no frequency). This sequence change falls in intron 5 of the CLTC gene. It does not directly change the encoded amino acid sequence of the CLTC protein. It affects a nucleotide within the consensus splice site.

Literature cited by the submitters: PubMed 17576681; PubMed 9536098.

NM_004859.4(CLTC):c.795+4T>G

Gene: CLTC (clathrin heavy chain; plus strand). Cytogenetic location: 17q23.1.
Variant type: single nucleotide variant.
Coding change: c.795+4T>G on transcript NM_004859.4 (MANE Select); 4 bases into the intron after coding-DNA position 795, T replaced by G.
Molecular consequence: intron variant.
Genome position (GRCh38, 1-based): chr17:59,651,320, T>G. VCF-style: chr17-59651320-T-G. GRCh37 (hg19) VCF-style: chr17-57728681-T-G.
Other names: c.807+4T>G (NM_001288653.2).
Identifiers: ClinVar variation 2844329 (VCV002844329.3), dbSNP rs2509365398, ClinGen allele CA2739268257.